The following is an entry in ClinVar:

ClinVar aggregate classification (germline): Uncertain significance (1 of 4 stars; one submission).

Submission:

GeneDx
Classification: Uncertain significance. Last evaluated: 2022-09-08. Review status: criteria provided, single submitter. Criteria: GeneDx Variant Classification Process June 2021. Collection method: clinical testing. Allele origin: germline. Affected: yes.
Comment: Not observed at significant frequency in large population cohorts (gnomAD); In silico analysis supports that this missense variant has a deleterious effect on protein structure/function; Has not been previously published as pathogenic or benign to our knowledge

NM_001961.4(EEF2):c.295C>T (p.Leu99Phe)

Gene: EEF2 (eukaryotic translation elongation factor 2; minus strand). Cytogenetic location: 19p13.3.
Variant type: single nucleotide variant.
Coding change: c.295C>T on transcript NM_001961.4 (MANE Select); coding-DNA position 295, C replaced by T.
Protein change: p.Leu99Phe; replaces leucine 99 with phenylalanine.
Molecular consequence: missense variant.
Genome position (GRCh38, 1-based): chr19:3,983,215, G>A on the plus strand (C>T on the coding strand, the complement: EEF2 is on the minus strand). VCF-style: chr19-3983215-G-A. GRCh37 (hg19) VCF-style: chr19-3983213-G-A.
Other names: short protein forms L99F.
Identifiers: ClinVar variation 2443409 (VCV002443409.1), dbSNP rs2512206949, ClinGen allele CA403395225.
Genomic context (GRCh38, chr19:3,983,215, plus strand): 5'-GGGCAGCAGTCACCTCCGAGGAGAAGTCGACATGCCCGGGGGAGTCAATGAGGTTGATGA[G>A]GAAGCCGGCACCGTCCTTGCTCTGCTTGATGAAGTTCAAGTCATTCTCCGAGAGCTCGTA-3'
Protein context (NP_001952.1, residues 89-109): IKQSKDGAGF[Leu99Phe]INLIDSPGHV